The following is an entry in ClinVar:

ClinVar aggregate classification (germline): Uncertain significance. Review status: criteria provided, multiple submitters, no conflicts (2 of 4 stars). 2 submissions from 2 submitters: Uncertain significance (2). Last evaluated 2024-09-19.

Conditions:
Hereditary cancer-predisposing syndrome. Also called: Hereditary neoplastic syndrome; Tumor predisposition; Neoplastic Syndromes, Hereditary; Hereditary Cancer Syndrome. Identifiers: Orphanet 140162, MedGen C0027672, MeSH D009386, MONDO:0015356.
Neuroblastoma, susceptibility to, 3. Also called: ALK-Related Neuroblastic Tumor Susceptibility. Identifiers: Orphanet 635, MedGen C2751681, MONDO:0013083, OMIM 613014.

gnomAD v4.1: 1 of 1,614,112 alleles (0.000062%); highest among the groups gnomAD compares: East Asian, 0.0022%; no homozygotes.

Submissions (2):

Ambry Genetics
Classification: Uncertain significance for Hereditary cancer-predisposing syndrome. Last evaluated: 2024-09-19. Review status: criteria provided, single submitter. Criteria: Ambry Variant Classification Scheme 2023. Collection method: clinical testing. Allele origin: germline.
Comment: The p.Q300K variant (also known as c.898C>A), located in coding exon 3 of the ALK gene, results from a C to A substitution at nucleotide position 898. The glutamine at codon 300 is replaced by lysine, an amino acid with similar properties. This amino acid position is conserved. In addition, this alteration is predicted to be tolerated by in silico analysis. Based on the available evidence, the clinical significance of this variant remains unclear.

Labcorp Genetics (formerly Invitae), Labcorp
Classification: Uncertain significance for Neuroblastoma, susceptibility to, 3. Last evaluated: 2021-05-21. Review status: criteria provided, single submitter. Criteria: Invitae Variant Classification Sherloc (09022015). Collection method: clinical testing. Allele origin: germline.
Comment: In summary, the available evidence is currently insufficient to determine the role of this variant in disease. Therefore, it has been classified as a Variant of Uncertain Significance. Algorithms developed to predict the effect of missense changes on protein structure and function output the following: SIFT: "Tolerated"; PolyPhen-2: "Benign"; Align-GVGD: "Class C0". The lysine amino acid residue is found in multiple mammalian species, suggesting that this missense change does not adversely affect protein function. These predictions have not been confirmed by published functional studies and their clinical significance is uncertain. This variant has not been reported in the literature in individuals with ALK-related conditions. This variant is not present in population databases (ExAC no frequency). This sequence change replaces glutamine with lysine at codon 300 of the ALK protein (p.Gln300Lys). The glutamine residue is weakly conserved and there is a small physicochemical difference between glutamine and lysine.

NM_004304.5(ALK):c.898C>A (p.Gln300Lys)

Gene: ALK (ALK receptor tyrosine kinase; minus strand). Cytogenetic location: 2p23.2.
Variant type: single nucleotide variant.
Coding change: c.898C>A on transcript NM_004304.5 (MANE Select); coding-DNA position 898, C replaced by A.
Protein change: p.Gln300Lys; replaces glutamine 300 with lysine.
Molecular consequence: missense variant.
Genome position (GRCh38, 1-based): chr2:29,694,904, G>T on the plus strand (C>A on the coding strand, the complement: ALK is on the minus strand). VCF-style: chr2-29694904-G-T. GRCh37 (hg19) VCF-style: chr2-29917770-G-T.
Other names: c.898C>A (NM_004304.4); short protein forms Q300K.
Identifiers: ClinVar variation 1478016 (VCV001478016.9), dbSNP rs1254596043, ClinGen allele CA346586915.